The following is an entry in ClinVar:

ClinVar aggregate classification (germline): Benign/Likely benign. Review status: criteria provided, multiple submitters, no conflicts (2 of 4 stars). 3 submissions from 3 submitters: Benign (1); Likely benign (1). 1 of the submissions does not count toward it. Last evaluated 2026-01-11.

Conditions:
MYH9-related disorder. Identifiers: MedGen C1854520.

Allele frequency attached by ClinVar (database versions not stated): ExAC 0.00002; gnomAD exomes 0.00004; gnomAD 0.00032; TOPMed 0.00033.
gnomAD v4.1: 113 of 1,614,092 alleles (0.007%); highest among the groups gnomAD compares: Admixed American, 0.14%; 1 homozygote.

Submissions (3):

Labcorp Genetics (formerly Invitae), Labcorp
Classification: Benign. Last evaluated: 2026-01-11. Review status: criteria provided, single submitter. Criteria: Invitae Variant Classification Sherloc (09022015). Collection method: clinical testing. Allele origin: germline.

Blueprint Genetics
Classification: Likely benign. Last evaluated: 2022-08-18. Review status: criteria provided, single submitter. Criteria: ACMG Guidelines, 2015. Collection method: clinical testing. Allele origin: germline.

PreventionGenetics, part of Exact Sciences
Classification: Likely benign for MYH9-related condition. Last evaluated: 2022-09-27. Review status: no assertion criteria provided. Collection method: clinical testing. Allele origin: germline. Not counted in ClinVar's aggregate classification.
Comment: This variant is classified as likely benign based on ACMG/AMP sequence variant interpretation guidelines (Richards et al. 2015 PMID: 25741868, with internal and published modifications).

NM_002473.6(MYH9):c.4236G>A (p.Glu1412=)

Gene: MYH9 (myosin heavy chain 9; minus strand). Cytogenetic location: 22q12.3.
Variant type: single nucleotide variant.
Coding change: c.4236G>A on transcript NM_002473.6 (MANE Select); coding-DNA position 4236, G replaced by A.
Protein change: p.Glu1412=; no amino-acid change (glutamic acid 1412 retained).
Molecular consequence: synonymous variant.
Genome position (GRCh38, 1-based): chr22:36,292,094, C>T on the plus strand (G>A on the coding strand, the complement: MYH9 is on the minus strand). VCF-style: chr22-36292094-C-T. GRCh37 (hg19) VCF-style: chr22-36688140-C-T.
Identifiers: ClinVar variation 2904341 (VCV002904341.6), dbSNP rs751641404, ClinGen allele CA10209424.